The following is an entry in ClinVar:

NM_016553.5(NUP62):c.377C>T (p.Ser126Leu)

Genes: IL4I1 (interleukin 4 induced 1; minus strand), NUP62 (nucleoporin 62; minus strand). Cytogenetic location: 19q13.33.
Variant type: single nucleotide variant.
Coding change: c.377C>T on transcript NM_016553.5 (MANE Select); coding-DNA position 377, C replaced by T.
Protein change: p.Ser126Leu; replaces serine 126 with leucine.
Molecular consequence: missense variant. On other transcripts: intron variant (3).
Genome position (GRCh38, 1-based): chr19:49,909,431, G>A on the plus strand (C>T on the coding strand, the complement: NUP62 is on the minus strand). VCF-style: chr19-49909431-G-A. GRCh37 (hg19) VCF-style: chr19-50412688-G-A.
Other names: c.377C>T, p.Ser126Leu (NM_001193357.2, NM_012346.5, NM_153718.4 and 1 more transcripts); c.-227-5110C>T (NM_001258017.2, NM_172374.3); c.-285-5110C>T (NM_001258018.2); short protein forms S126L.
Identifiers: ClinVar variation 2084144 (VCV002084144.3), dbSNP rs754044637, ClinGen allele CA9589151.

ClinVar aggregate classification (germline): Uncertain significance (1 of 4 stars; one submission).

Allele frequency attached by ClinVar (database versions not stated): gnomAD 0.00002; ExAC 0.00002; TOPMed 0.00003.
gnomAD v4.1: 19 of 1,613,906 alleles (0.0012%); highest among the groups gnomAD compares: East Asian, 0.0022%; no homozygotes.

Submission:

Labcorp Genetics (formerly Invitae), Labcorp
Classification: Uncertain significance. Last evaluated: 2026-01-19. Review status: criteria provided, single submitter. Criteria: Invitae Variant Classification Sherloc (09022015). Collection method: clinical testing. Allele origin: germline.
Comment: This sequence change replaces serine, which is neutral and polar, with leucine, which is neutral and non-polar, at codon 126 of the NUP62 protein (p.Ser126Leu). This variant is present in population databases (rs754044637, gnomAD 0.005%). This variant has not been reported in the literature in individuals affected with NUP62-related conditions. ClinVar contains an entry for this variant (Variation ID: 2084144). An algorithm developed to predict the effect of missense changes on protein structure and function (PolyPhen-2) suggests that this variant is likely to be tolerated. In summary, the available evidence is currently insufficient to determine the role of this variant in disease. Therefore, it has been classified as a Variant of Uncertain Significance.